The following is an entry in ClinVar:

ClinVar aggregate classification (germline): Uncertain significance. Review status: criteria provided, multiple submitters, no conflicts (2 of 4 stars). 2 submissions from 2 submitters: Uncertain significance (2). Last evaluated 2023-10-28.

Conditions:
Hereditary cancer-predisposing syndrome. Also called: Hereditary Cancer Syndrome; Tumor predisposition; Hereditary neoplastic syndrome; Neoplastic Syndromes, Hereditary. Identifiers: Orphanet 140162, MedGen C0027672, MeSH D009386, MONDO:0015356.
Familial adenomatous polyposis 1 (FAP1). Also called: FAMILIAL ADENOMATOUS POLYPOSIS 1, ATTENUATED; POLYPOSIS, ADENOMATOUS INTESTINAL. Identifiers: MedGen C2713442, MONDO:0021056, OMIM 175100. Disease mechanism: loss of function.

Submissions (2):

Labcorp Genetics (formerly Invitae), Labcorp
Classification: Uncertain significance for Familial adenomatous polyposis 1. Last evaluated: 2023-10-28. Review status: criteria provided, single submitter. Criteria: Invitae Variant Classification Sherloc (09022015). Collection method: clinical testing. Allele origin: germline.
Comment: This sequence change replaces glutamine, which is neutral and polar, with histidine, which is basic and polar, at codon 1996 of the APC protein (p.Gln1996His). This variant is not present in population databases (gnomAD no frequency). This variant has not been reported in the literature in individuals affected with APC-related conditions. ClinVar contains an entry for this variant (Variation ID: 1409118). Advanced modeling of protein sequence and biophysical properties (such as structural, functional, and spatial information, amino acid conservation, physicochemical variation, residue mobility, and thermodynamic stability) performed at Invitae indicates that this missense variant is not expected to disrupt APC protein function with a negative predictive value of 95%. In summary, the available evidence is currently insufficient to determine the role of this variant in disease. Therefore, it has been classified as a Variant of Uncertain Significance.

Ambry Genetics
Classification: Uncertain significance for Hereditary cancer-predisposing syndrome. Last evaluated: 2023-02-23. Review status: criteria provided, single submitter. Criteria: Ambry Variant Classification Scheme 2023. Collection method: clinical testing. Allele origin: germline.
Comment: The p.Q1996H variant (also known as c.5988G>T), located in coding exon 15 of the APC gene, results from a G to T substitution at nucleotide position 5988. The glutamine at codon 1996 is replaced by histidine, an amino acid with highly similar properties. This amino acid position is conserved. In addition, in silico predictors for this gene do not accurately predict pathogenicity. Since supporting evidence is limited at this time, the clinical significance of this alteration remains unclear.

NM_000038.6(APC):c.5988G>T (p.Gln1996His)

Gene: APC (APC regulator of Wnt signaling pathway; plus strand). Cytogenetic location: 5q22.2.
Variant type: single nucleotide variant.
Coding change: c.5988G>T on transcript NM_000038.6 (MANE Select); coding-DNA position 5988, G replaced by T.
Protein change: p.Gln1996His; replaces glutamine 1996 with histidine.
Molecular consequence: missense variant.
Genome position (GRCh38, 1-based): chr5:112,841,582, G>T. VCF-style: chr5-112841582-G-T. GRCh37 (hg19) VCF-style: chr5-112177279-G-T.
Other names: c.5988G>T, p.Gln1996His (NM_001127510.3, NM_001354895.2); c.5934G>T, p.Gln1978His (NM_001127511.3); c.6042G>T, p.Gln2014His (NM_001354896.2); c.6018G>T, p.Gln2006His (NM_001354897.2); c.5913G>T, p.Gln1971His (NM_001354898.2); c.5904G>T, p.Gln1968His (NM_001354899.2); c.5865G>T, p.Gln1955His (NM_001354900.2); c.5811G>T, p.Gln1937His (NM_001354901.2); and 6 more; short protein forms Q1713H, Q1870H, Q1895H, Q1968H, Q2014H, Q1955H, Q1971H, Q2006H.
Identifiers: ClinVar variation 1409118 (VCV001409118.10), dbSNP rs2149954314, ClinGen allele CA16034439.